The following is an entry in ClinVar:

NM_001148.6(ANK2):c.2080-5T>C

Gene: ANK2 (ankyrin 2; plus strand). Cytogenetic location: 4q26.
Variant type: single nucleotide variant.
Coding change: c.2080-5T>C on transcript NM_001148.6 (MANE Select); 5 bases into the intron before coding-DNA position 2080, T replaced by C.
Molecular consequence: intron variant.
Genome position (GRCh38, 1-based): chr4:113,287,600, T>C. VCF-style: chr4-113287600-T-C. GRCh37 (hg19) VCF-style: chr4-114208756-T-C.
Other names: c.2080-5T>C (NM_001148.4, NM_001354225.2, NM_001354235.2 and 7 more transcripts); c.2068-5T>C (NM_001386186.2, NM_001386148.2); c.1870-5T>C (NM_001354269.3); c.2044-5T>C (NM_001386187.2); c.2038-5T>C (NM_001386147.1, NM_001386160.1, NM_001354261.2); c.2017-5T>C (NM_001354254.2, NM_001354239.2, NM_001354252.2 and 10 more transcripts); c.1918-5T>C (NM_001354253.2, NM_001354270.2, NM_001354257.2 and 1 more transcripts); c.1993-5T>C (NM_001354249.2, NM_001354266.2, NM_001354276.2 and 10 more transcripts); and 8 more.
Identifiers: ClinVar variation 2888030 (VCV002888030.5), dbSNP rs1209268795, ClinGen allele CA554057113.

ClinVar aggregate classification (germline): Likely benign. Review status: criteria provided, single submitter (1 of 4 stars). 2 submissions from 2 submitters: Likely benign (1). 1 of the submissions does not count toward it. Last evaluated 2023-11-28.

Conditions:
Long QT syndrome (LQTS). Identifiers: MedGen C0023976, MeSH D008133, MONDO:0002442. Disease mechanism: loss of function. Inheritance: Various modes of inheritance.
ANK2-related disorder. Also called: ANK2-related condition.

Allele frequency attached by ClinVar (database versions not stated): gnomAD 0.00001; gnomAD exomes 0.00001.
gnomAD v4.1: 8 of 1,590,458 alleles (0.0005%); highest among the groups gnomAD compares: Admixed American, 0.013%; no homozygotes.

Submissions (2):

Labcorp Genetics (formerly Invitae), Labcorp
Classification: Likely benign for Long QT syndrome. Last evaluated: 2023-11-28. Review status: criteria provided, single submitter. Criteria: Invitae Variant Classification Sherloc (09022015). Collection method: clinical testing. Allele origin: germline.

PreventionGenetics, part of Exact Sciences
Classification: Likely benign for ANK2-related condition. Last evaluated: 2019-06-04. Review status: no assertion criteria provided. Collection method: clinical testing. Allele origin: germline. Not counted in ClinVar's aggregate classification.
Comment: This variant is classified as likely benign based on ACMG/AMP sequence variant interpretation guidelines (Richards et al. 2015 PMID: 25741868, with internal and published modifications).